The following is an entry in ClinVar:

NM_001376.5(DYNC1H1):c.7570G>A (p.Val2524Met)

Gene: DYNC1H1 (dynein cytoplasmic 1 heavy chain 1; plus strand). Cytogenetic location: 14q32.31.
Variant type: single nucleotide variant.
Coding change: c.7570G>A on transcript NM_001376.5 (MANE Select); coding-DNA position 7570, G replaced by A.
Protein change: p.Val2524Met; replaces valine 2524 with methionine.
Molecular consequence: missense variant.
Genome position (GRCh38, 1-based): chr14:102,016,445, G>A. VCF-style: chr14-102016445-G-A. GRCh37 (hg19) VCF-style: chr14-102482782-G-A.
Other names: short protein forms V2524M.
Identifiers: ClinVar variation 245913 (VCV000245913.14), dbSNP rs147836678, ClinGen allele CA7352842.
Genomic context (GRCh38, chr14:102,016,445, plus strand): 5'-GGAGACAGCCGGCTAAAAATGAGAGCAGAGCTGGGTGAATACATCAGAAGAATCACGACC[G>A]TGCCTCTGCCCACTGCGCCCAACATACCCATTATCGATTATGAGGTGAGCATGCAGCTAC-3'
Protein context (NP_001367.2, residues 2514-2534): LGEYIRRITT[Val2524Met]PLPTAPNIPI

ClinVar aggregate classification (germline): Conflicting classifications of pathogenicity. Review status: criteria provided, conflicting classifications (1 of 4 stars). 4 submissions from 4 submitters: Uncertain significance (2); Likely benign (2). Last evaluated 2026-01-26.

Conditions:
DYNC1H1-related disorder. Also called: DYNC1H1-related condition; DYNC1H1-related disorders. Identifiers: MedGen CN381529.
Charcot-Marie-Tooth disease axonal type 2O. Also called: CHARCOT-MARIE-TOOTH NEUROPATHY, AXONAL, TYPE 2O; CHARCOT-MARIE-TOOTH DISEASE, AXONAL, AUTOSOMAL DOMINANT, TYPE 2O; Charcot-Marie-Tooth Neuropathy Type 2O; Charcot-Marie-Tooth disease, axonal, type 20. Identifiers: Orphanet 284232, MedGen C3280220, MONDO:0013644, OMIM 614228.

Allele frequency attached by ClinVar (database versions not stated): TOPMed below 0.00001; gnomAD 0.00001; gnomAD exomes 0.00001; ExAC 0.00002; ESP Exome Variant Server 0.00008.
gnomAD v4.1: 19 of 1,613,928 alleles (0.0012%); highest among the groups gnomAD compares: Admixed American, 0.0033%; no homozygotes.

Submissions (4):

Labcorp Genetics (formerly Invitae), Labcorp
Classification: Likely benign for Charcot-Marie-Tooth disease axonal type 2O. Last evaluated: 2026-01-26. Review status: criteria provided, single submitter. Criteria: Invitae Variant Classification Sherloc (09022015). Collection method: clinical testing. Allele origin: germline.

Women's Health and Genetics/Laboratory Corporation of America, LabCorp
Classification: Likely benign. Last evaluated: 2025-11-14. Review status: criteria provided, single submitter. Criteria: LabCorp Variant Classification Summary - May 2015. Collection method: clinical testing. Allele origin: germline.
Comment: Variant summary: DYNC1H1 c.7570G>A (p.Val2524Met) results in a conservative amino acid change in the encoded protein sequence. Algorithms developed to predict the effect of missense changes on protein structure and function are either unavailable or do not agree on the potential impact of this missense change. The variant allele was found at a frequency of 1.2e-05 in 1613928 control chromosomes. The observed variant frequency exceeds the estimated maximal expected allele frequency for disease-causing variants in DYNC1H1. To our knowledge, no occurrence of c.7570G>A in individuals affected with DYNC1H1-related conditions and no experimental evidence demonstrating its impact on protein function have been reported. ClinVar contains an entry for this variant (Variation ID: 245913). Based on the evidence outlined above, the variant was classified as likely benign.

PreventionGenetics, part of Exact Sciences
Classification: Uncertain significance for DYNC1H1-related condition. Last evaluated: 2025-05-28. Review status: criteria provided, single submitter. Criteria: ACMG Guidelines, 2015. Collection method: clinical testing. Allele origin: germline.
Comment: The DYNC1H1 c.7570G>A variant is predicted to result in the amino acid substitution p.Val2524Met. To our knowledge, this variant has not been reported in the literature. This variant is reported in 0.0040% of alleles in individuals of African descent in gnomAD. At this time, the clinical significance of this variant is uncertain due to the absence of conclusive functional and genetic evidence.

GeneDx
Classification: Uncertain significance. Last evaluated: 2022-05-11. Review status: criteria provided, single submitter. Criteria: GeneDx Variant Classification Process June 2021. Collection method: clinical testing. Allele origin: germline. Affected: yes.
Comment: Has not been previously published as pathogenic or benign to our knowledge; In silico analysis supports that this missense variant does not alter protein structure/function; This variant is associated with the following publications: (PMID: 26100331, 25609763, 25512093)